The following is an entry in ClinVar:

ClinVar aggregate classification (germline): Benign/Likely benign. Review status: criteria provided, multiple submitters, no conflicts (2 of 4 stars). 2 submissions from 2 submitters: Benign (1); Likely benign (1). Last evaluated 2025-03-14.

Conditions:
Hereditary cancer-predisposing syndrome. Also called: Neoplastic Syndromes, Hereditary; Hereditary Cancer Syndrome; Hereditary neoplastic syndrome; Tumor predisposition. Identifiers: Orphanet 140162, MedGen C0027672, MeSH D009386, MONDO:0015356.
Pheochromocytoma/paraganglioma syndrome 3. Also called: SDHC-Related Hereditary Paraganglioma-Pheochromocytoma Syndrome (Paragangliomas 3); SDHC-Related Hereditary Paraganglioma-Pheochromocytoma Syndrome; Paragangliomas 3; GLOMUS TUMORS, FAMILIAL, 3. Identifiers: Orphanet 29072, MedGen C1854336, MONDO:0011544, OMIM 605373.

Submissions (2):

Myriad Genetics, Inc.
Classification: Benign for Pheochromocytoma/paraganglioma syndrome 3. Last evaluated: 2025-03-14. Review status: criteria provided, single submitter. Criteria: Myriad Autosomal Dominant, Autosomal Recessive and X-Linked Classification Criteria (2023). Collection method: clinical testing. Allele origin: unknown.
Comment: This variant is considered benign. This variant is a silent/synonymous amino acid change and it is not expected to impact splicing.

Ambry Genetics
Classification: Likely benign for Hereditary cancer-predisposing syndrome. Last evaluated: 2017-06-02. Review status: criteria provided, single submitter. Criteria: Ambry Variant Classification Scheme 2023. Collection method: clinical testing. Allele origin: germline.

NM_003001.5(SDHC):c.270G>A (p.Leu90=)

Gene: SDHC (succinate dehydrogenase complex subunit C; plus strand). Cytogenetic location: 1q23.3.
Variant type: single nucleotide variant.
Coding change: c.270G>A on transcript NM_003001.5 (MANE Select); coding-DNA position 270, G replaced by A.
Protein change: p.Leu90=; no amino-acid change (leucine 90 retained).
Molecular consequence: synonymous variant. On other transcripts: non-coding transcript variant (1), intron variant (3).
Genome position (GRCh38, 1-based): chr1:161,356,705, G>A. VCF-style: chr1-161356705-G-A. GRCh37 (hg19) VCF-style: chr1-161326495-G-A.
Other names: c.168G>A, p.Leu56= (NM_001035512.3); c.111G>A, p.Leu37= (NM_001035513.3); c.390G>A, p.Leu130= (NM_001407115.1); c.213G>A, p.Leu71= (NM_001407116.1); c.207G>A, p.Leu69= (NM_001407117.1); c.162G>A, p.Leu54= (NM_001407118.1); c.159G>A, p.Leu53= (NM_001407119.1, NM_001407120.1); c.242-5624G>A (NM_001035511.3); and 2 more.
Identifiers: ClinVar variation 486433 (VCV000486433.7), dbSNP rs1553265790, ClinGen allele CA421501017.
Genomic context (GRCh38, chr1:161,356,705, plus strand): 5'-AGCTGTGACAAGCTACTTGGTTTTCTCCTCAGGGGTCTCTCTTTTTGGCATGTCGGCCCT[G>A]TTACTCCCTGGGAACTTTGAGTCTTATTTGGAACTTGTGAAGTCCCTGTGTCTGGGGCCA-3'
Protein context (NP_002992.1, residues 80-100): AGVSLFGMSA[Leu90=]LLPGNFESYL